The following is an entry in ClinVar:

ClinVar aggregate classification (germline): Pathogenic/Likely pathogenic. Review status: criteria provided, multiple submitters, no conflicts (2 of 4 stars). 8 submissions from 8 submitters: Pathogenic (5); Likely pathogenic (2). 1 of the submissions does not count toward it. Last evaluated 2025-12-29.

Conditions:
Neurofibromatosis, type 1 (NF1). Also called: Neurofibromatosis, type I; NEUROFIBROMATOSIS, TYPE I, SOMATIC; Peripheral type neurofibromatosis; VON RECKLINGHAUSEN DISEASE. Identifiers: Orphanet 636, MedGen C0027831, MONDO:0018975, OMIM 162200. Disease mechanism: loss of function.
Hereditary cancer-predisposing syndrome. Also called: Hereditary neoplastic syndrome; Tumor predisposition; Neoplastic Syndromes, Hereditary; Hereditary Cancer Syndrome. Identifiers: Orphanet 140162, MedGen C0027672, MeSH D009386, MONDO:0015356.
Cardiovascular phenotype. Identifiers: MedGen CN230736.

Allele frequency attached by ClinVar (database versions not stated): TOPMed below 0.00001.

Submissions (8):

Myriad Genetics, Inc.
Classification: Pathogenic for Neurofibromatosis, type 1. Last evaluated: 2025-12-29. Review status: criteria provided, single submitter. Criteria: Myriad Autosomal Dominant, Autosomal Recessive and X-Linked Classification Criteria (2023). Collection method: clinical testing. Allele origin: unknown.
Comment: This variant is considered pathogenic. This variant creates a frameshift predicted to result in premature protein truncation.

ARUP Laboratories, Molecular Genetics and Genomics, ARUP Laboratories
Classification: Pathogenic. Last evaluated: 2024-10-15. Review status: criteria provided, single submitter. Criteria: ARUP Molecular Germline Variant Investigation Process 2024. Collection method: clinical testing. Allele origin: germline.
Comment: The NF1 c.6462dup; p.Glu2155ArgfsTer14 variant (rs1135402888, ClinVar Variation ID: 431673), also known as c.6399dupA for NM_000267.3, is reported in the literature in an individual affected with neurofibromatosis (Bonatti 2017). This variant is absent from the Genome Aggregation Database (v2.1.1), indicating it is not a common polymorphism. This variant causes a frameshift by inserting a single nucleotide, so it is predicted to result in a truncated protein or mRNA subject to nonsense-mediated decay. Based on available information, this variant is considered to be pathogenic. References: Bonatti F et al. Patterns of Novel Alleles and Genotype/Phenotype Correlations Resulting from the Analysis of 108 Previously Undetected Mutations in Patients Affected by Neurofibromatosis Type I. Int J Mol Sci. 2017 Sep 29;18(10):2071. PMID: 28961165.

Labcorp Genetics (formerly Invitae), Labcorp
Classification: Pathogenic for Neurofibromatosis, type 1. Last evaluated: 2024-03-17. Review status: criteria provided, single submitter. Criteria: Invitae Variant Classification Sherloc (09022015). Collection method: clinical testing. Allele origin: germline.
Comment: This sequence change creates a premature translational stop signal (p.Glu2134Argfs*14) in the NF1 gene. It is expected to result in an absent or disrupted protein product. Loss-of-function variants in NF1 are known to be pathogenic (PMID: 10712197, 23913538). This variant is not present in population databases (gnomAD no frequency). This premature translational stop signal has been observed in individual(s) with clinical features of neurofibromatosis type-1 (Invitae). ClinVar contains an entry for this variant (Variation ID: 431673). For these reasons, this variant has been classified as Pathogenic.

GeneDx
Classification: Pathogenic. Last evaluated: 2023-03-09. Review status: criteria provided, single submitter. Criteria: GeneDx Variant Classification Process June 2021. Collection method: clinical testing. Allele origin: germline. Affected: yes.
Comment: Frameshift variant predicted to result in protein truncation or nonsense mediated decay in a gene for which loss of function is a known mechanism of disease; Not observed at significant frequency in large population cohorts (gnomAD); This variant is associated with the following publications: (PMID: 23913538, 28961165, 10712197)

Genome-Nilou Lab
Classification: Likely pathogenic for Neurofibromatosis, type 1. Last evaluated: 2022-03-15. Review status: criteria provided, single submitter. Criteria: ACMG Guidelines, 2015. Collection method: clinical testing. Allele origin: germline. Affected: no.

Ambry Genetics
Classification: Pathogenic for Cardiovascular phenotype; Hereditary cancer-predisposing syndrome. Last evaluated: 2019-06-24. Review status: criteria provided, single submitter. Criteria: Ambry Variant Classification Scheme 2023. Collection method: clinical testing. Allele origin: germline.
Comment: The c.6399dupA pathogenic mutation, located in coding exon 42 of the NF1 gene, results from a duplication of A at nucleotide position 6399, causing a translational frameshift with a predicted alternate stop codon (p.E2134Rfs*14). This alteration was reported in a cohort of Italian neurofibromatosis type 1 (NF1) patients (Bonatti F et al. Int J Mol Sci. 2017 Sep;18:). In addition to the clinical data presented in the literature, this alteration is expected to result in loss of function by premature protein truncation or nonsense-mediated mRNA decay. As such, this alteration is interpreted as a disease-causing mutation.

Center for Human Genetics, Inc
Classification: Likely pathogenic for Neurofibromatosis, type 1. Last evaluated: 2016-11-01. Review status: criteria provided, single submitter. Criteria: ACMG Guidelines, 2015. Collection method: clinical testing. Allele origin: germline. Affected: yes.

Medical Genetics, University of Parma
Classification: Pathogenic for Neurofibromatosis type 1. Last evaluated: 2017-02-02. Review status: no assertion criteria provided. Collection method: clinical testing. Allele origin: germline. Affected: yes. Not counted in ClinVar's aggregate classification.

Literature cited by the submitters: PubMed 10712197 (cited by Labcorp Genetics (formerly Invitae), Labcorp); PubMed 23913538 (cited by Labcorp Genetics (formerly Invitae), Labcorp).

NM_001042492.3(NF1):c.6462dup (p.Glu2155fs)

Gene: NF1 (neurofibromin 1; plus strand). Cytogenetic location: 17q11.2.
Variant type: Duplication.
Coding change: c.6462dup on transcript NM_001042492.3 (MANE Select); coding-DNA position 6462, one base duplicated (A; older notation c.6462dupA).
Protein change: p.Glu2155fs; shifts the reading frame from glutamic acid 2155.
Molecular consequence: frameshift variant.
Genome position (GRCh38, 1-based): chr17:31,337,402, A duplicated. VCF-style (leftmost placement, unchanged base first): chr17-31337401-C-CA. GRCh37 (hg19) VCF-style: chr17-29664419-C-CA.
Other names: c.6399dupA (NM_000267.3); c.6399dup, p.Glu2134Argfs (NM_000267.4); short protein forms E2134fs, E2155fs.
Identifiers: ClinVar variation 431673 (VCV000431673.13), dbSNP rs1135402888, ClinGen allele CA645373104.